The following is an entry in ClinVar:

ClinVar aggregate classification (germline): Uncertain significance (1 of 4 stars; one submission).

Conditions:
Combined immunodeficiency due to LRBA deficiency. Also called: Common variable immunodeficiency 8, with autoimmunity. Identifiers: Orphanet 445018, MedGen C3553512, MONDO:0013863, OMIM 614700.

Allele frequency attached by ClinVar (database versions not stated): gnomAD exomes below 0.00001.
gnomAD v4.1: 1 of 1,611,970 alleles (0.000062%); highest among the groups gnomAD compares: Admixed American, 0.0017%; no homozygotes.

Submission:

Labcorp Genetics (formerly Invitae), Labcorp
Classification: Uncertain significance for Combined immunodeficiency due to LRBA deficiency. Last evaluated: 2022-06-14. Review status: criteria provided, single submitter. Criteria: Invitae Variant Classification Sherloc (09022015). Collection method: clinical testing. Allele origin: germline.
Comment: In summary, the available evidence is currently insufficient to determine the role of this variant in disease. Therefore, it has been classified as a Variant of Uncertain Significance. Algorithms developed to predict the effect of missense changes on protein structure and function are either unavailable or do not agree on the potential impact of this missense change (SIFT: "Tolerated"; PolyPhen-2: "Probably Damaging"; Align-GVGD: "Class C0"). This variant has not been reported in the literature in individuals affected with LRBA-related conditions. This variant is not present in population databases (gnomAD no frequency). This sequence change replaces lysine, which is basic and polar, with asparagine, which is neutral and polar, at codon 2332 of the LRBA protein (p.Lys2332Asn).

NM_001364905.1(LRBA):c.6963A>T (p.Lys2321Asn)

Gene: LRBA (LPS responsive beige-like anchor protein; minus strand). Cytogenetic location: 4q31.3.
Variant type: single nucleotide variant.
Coding change: c.6963A>T on transcript NM_001364905.1 (MANE Select); coding-DNA position 6963, A replaced by T.
Protein change: p.Lys2321Asn; replaces lysine 2321 with asparagine.
Molecular consequence: missense variant.
Genome position (GRCh38, 1-based): chr4:150,435,667, T>A on the plus strand (A>T on the coding strand, the complement: LRBA is on the minus strand). VCF-style: chr4-150435667-T-A. GRCh37 (hg19) VCF-style: chr4-151356819-T-A.
Other names: c.6963A>T, p.Lys2321Asn (NM_001199282.3, NM_001367550.1); c.6996A>T, p.Lys2332Asn (NM_006726.5); short protein forms K2321N, K2332N.
Identifiers: ClinVar variation 1964655 (VCV001964655.4), dbSNP rs2546332728, ClinGen allele CA358600159.